The following is an entry in ClinVar:

ClinVar aggregate classification (germline): Conflicting classifications of pathogenicity. Review status: criteria provided, conflicting classifications (1 of 4 stars). 3 submissions from 3 submitters: Uncertain significance (1); Benign (1). 1 of the submissions does not count toward it. Last evaluated 2024-10-25.

Conditions:
NPHP3-related disorder. Also called: NPHP3-related disorders; NPHP3-related condition. Identifiers: MedGen CN379163.
Nephronophthisis. Also called: Juvenile Nephronophthisis. Identifiers: Orphanet 655, MedGen C0687120, MONDO:0019005, HP:0000090.

Submissions (3):

Labcorp Genetics (formerly Invitae), Labcorp
Classification: Benign for Nephronophthisis. Last evaluated: 2024-10-25. Review status: criteria provided, single submitter. Criteria: Invitae Variant Classification Sherloc (09022015). Collection method: clinical testing. Allele origin: germline.

Eurofins Ntd Llc (ga)
Classification: Uncertain significance. Last evaluated: 2017-03-28. Review status: criteria provided, single submitter. Criteria: EGL Classification Definitions 2015. Collection method: clinical testing. Allele origin: germline. Observed: 1 variant allele, 1 heterozygote.

PreventionGenetics, part of Exact Sciences
Classification: Likely benign for NPHP3-related condition. Last evaluated: 2021-12-09. Review status: no assertion criteria provided. Collection method: clinical testing. Allele origin: germline. Not counted in ClinVar's aggregate classification.
Comment: This variant is classified as likely benign based on ACMG/AMP sequence variant interpretation guidelines (Richards et al. 2015 PMID: 25741868, with internal and published modifications).

NM_153240.5(NPHP3):c.3697-14dup

Genes: NPHP3 (nephrocystin 3; minus strand), NPHP3-ACAD11 (NPHP3-ACAD11 readthrough (NMD candidate); minus strand). Cytogenetic location: 3q22.1.
Variant type: Duplication.
Coding change: c.3697-14dup on transcript NM_153240.5 (MANE Select); 14 bases into the intron before coding-DNA position 3697, one base duplicated (T; older notation c.3697-14dupT).
Molecular consequence: intron variant.
Genome position (GRCh38, 1-based): chr3:132,682,825, A duplicated on the plus strand (T on the coding strand, the reverse complement: NPHP3 is on the minus strand); the first of 8 consecutive A bases (chr3:132,682,825-132,682,832); duplicating any one gives the same sequence. VCF-style (leftmost placement, unchanged base first): chr3-132682824-T-TA. GRCh37 (hg19) VCF-style: chr3-132401668-T-TA.
Other names: c.3697-7dupT (NM_153240.4).
Identifiers: ClinVar variation 501142 (VCV000501142.11), dbSNP rs564013823, ClinGen allele CA83580996.